The following is an entry in ClinVar:

ClinVar aggregate classification (germline): Uncertain significance (1 of 4 stars; one submission).

Conditions:
Gorlin syndrome. Also called: Basal cell nevus syndrome; Nevoid Basal Cell Carcinoma Syndrome. Identifiers: Orphanet 377, MedGen C0004779, MONDO:0007187.

Submission:

Labcorp Genetics (formerly Invitae), Labcorp
Classification: Uncertain significance for Gorlin syndrome. Last evaluated: 2025-10-27. Review status: criteria provided, single submitter. Criteria: Invitae Variant Classification Sherloc (09022015). Collection method: clinical testing. Allele origin: germline.
Comment: This sequence change replaces isoleucine, which is neutral and non-polar, with valine, which is neutral and non-polar, at codon 466 of the PTCH2 protein (p.Ile466Val). This variant is not present in population databases (gnomAD no frequency). This variant has not been reported in the literature in individuals affected with PTCH2-related conditions. ClinVar contains an entry for this variant (Variation ID: 3671637). An algorithm developed to predict the effect of missense changes on protein structure and function (PolyPhen-2) suggests that this variant is likely to be tolerated. In summary, the available evidence is currently insufficient to determine the role of this variant in disease. Therefore, it has been classified as a Variant of Uncertain Significance.

NM_003738.5(PTCH2):c.1396A>G (p.Ile466Val)

Gene: PTCH2 (patched 2; minus strand). Cytogenetic location: 1p34.1.
Variant type: single nucleotide variant.
Coding change: c.1396A>G on transcript NM_003738.5 (MANE Select); coding-DNA position 1396, A replaced by G.
Protein change: p.Ile466Val; replaces isoleucine 466 with valine.
Molecular consequence: missense variant.
Genome position (GRCh38, 1-based): chr1:44,829,050, T>C on the plus strand (A>G on the coding strand, the complement: PTCH2 is on the minus strand). VCF-style: chr1-44829050-T-C. GRCh37 (hg19) VCF-style: chr1-45294722-T-C.
Other names: c.1396A>G, p.Ile466Val (NM_001166292.2); short protein forms I466V.
Identifiers: ClinVar variation 3671637 (VCV003671637.2).
Genomic context (GRCh38, chr1:44,829,050, plus strand): 5'-GGGTGCCAGGCAGAGCCTCTGTGAAGGCATGCGCCAGCAGGAATACGTCATCCACGCCGA[T>C]TCCCAGAGCCAAGAAGGGCAGCACCTGGAGGGGCAGAGGAGCGGGCAGCTGAGGACCCGT-3'
Protein context (NP_003729.3, residues 456-476): TQVLPFLALG[Ile466Val]GVDDVFLLAH